The following is an entry in ClinVar:

ClinVar aggregate classification (germline): Uncertain significance (1 of 4 stars; one submission).

Conditions:
Pitt-Hopkins-like syndrome 2 (PTHSL2). Identifiers: Orphanet 221150, Orphanet 600663, MedGen C3280479, MONDO:0013690, OMIM 614325.

Allele frequency attached by ClinVar (database versions not stated): TOPMed below 0.00001.

Submission:

Labcorp Genetics (formerly Invitae), Labcorp
Classification: Uncertain significance for Pitt-Hopkins-like syndrome 2. Last evaluated: 2023-05-11. Review status: criteria provided, single submitter. Criteria: Invitae Variant Classification Sherloc (09022015). Collection method: clinical testing. Allele origin: germline.
Comment: This sequence change replaces aspartic acid, which is acidic and polar, with alanine, which is neutral and non-polar, at codon 106 of the NRXN1 protein (p.Asp106Ala). This variant is not present in population databases (gnomAD no frequency). This variant has not been reported in the literature in individuals affected with NRXN1-related conditions. An algorithm developed to predict the effect of missense changes on protein structure and function (PolyPhen-2) suggests that this variant is likely to be tolerated. In summary, the available evidence is currently insufficient to determine the role of this variant in disease. Therefore, it has been classified as a Variant of Uncertain Significance.

NM_001330078.2(NRXN1):c.317A>C (p.Asp106Ala)

Gene: NRXN1 (neurexin 1; minus strand). Cytogenetic location: 2p16.3.
Variant type: single nucleotide variant.
Coding change: c.317A>C on transcript NM_001330078.2 (MANE Select); coding-DNA position 317, A replaced by C.
Protein change: p.Asp106Ala; replaces aspartic acid 106 with alanine.
Molecular consequence: missense variant.
Genome position (GRCh38, 1-based): chr2:51,027,957, T>G on the plus strand (A>C on the coding strand, the complement: NRXN1 is on the minus strand). VCF-style: chr2-51027957-T-G. GRCh37 (hg19) VCF-style: chr2-51255095-T-G.
Other names: c.317A>C, p.Asp106Ala (NM_001135659.3, NM_001330077.2, NM_001330079.2 and 15 more transcripts); short protein forms D106A.
Identifiers: ClinVar variation 3012423 (VCV003012423.3), dbSNP rs199714477, ClinGen allele CA346824250.